The following is an entry in ClinVar:

ClinVar aggregate classification (germline): Uncertain significance. Review status: criteria provided, multiple submitters, no conflicts (2 of 4 stars). 8 submissions from 8 submitters: Uncertain significance (8). Last evaluated 2025-12-13.

Conditions:
Cardiovascular phenotype. Identifiers: MedGen CN230736.
Cardiac arrhythmia. Also called: Arrhythmia; Cardiac rhythm disease. Identifiers: MedGen C0003811, MONDO:0007263, HP:0011675.
Atrial fibrillation, familial, 3 (ATFB3). Identifiers: MedGen C1837014, MONDO:0011857, OMIM 607554.
Long QT syndrome 1 (LQT1). Identifiers: Orphanet 101016, Orphanet 768, MedGen C4551647, MONDO:0100316, OMIM 192500, MONDO:0008646.
Jervell and Lange-Nielsen syndrome 1 (JLNS1). Also called: CARDIOAUDITORY SYNDROME OF JERVELL AND LANGE-NIELSEN; DEAFNESS, CONGENITAL, AND FUNCTIONAL HEART DISEASE; PROLONGED QT INTERVAL IN EKG AND SUDDEN DEATH; SURDO-CARDIAC SYNDROME. Identifiers: Orphanet 768, Orphanet 90647, MedGen C4551509, MONDO:0024540, OMIM 220400.
Short QT syndrome type 2. Identifiers: Orphanet 51083, MedGen C1865019, MONDO:0012313, OMIM 609621.
Beckwith-Wiedemann syndrome (BWS). Also called: EMG SYNDROME; Exomphalos macroglossia gigantism syndrome. Identifiers: Orphanet 116, MedGen C0004903, MONDO:0007534, OMIM 130650.
Long QT syndrome (LQTS). Identifiers: MedGen C0023976, MeSH D008133, MONDO:0002442. Disease mechanism: loss of function. Inheritance: Various modes of inheritance.

Allele frequency attached by ClinVar (database versions not stated): gnomAD 0.00001; gnomAD exomes 0.00001 and 0.00005; TOPMed 0.00002; ExAC 0.00003.
gnomAD v4.1: 19 of 1,612,600 alleles (0.0012%); highest among the groups gnomAD compares: Admixed American, 0.005%; no homozygotes.

Submissions (8):

Labcorp Genetics (formerly Invitae), Labcorp
Classification: Uncertain significance for Long QT syndrome. Last evaluated: 2025-12-13. Review status: criteria provided, single submitter. Criteria: Invitae Variant Classification Sherloc (09022015). Collection method: clinical testing. Allele origin: germline.
Comment: This sequence change replaces threonine, which is neutral and polar, with methionine, which is neutral and non-polar, at codon 169 of the KCNQ1 protein (p.Thr169Met). This variant is present in population databases (rs199472693, gnomAD 0.01%). This variant has not been reported in the literature in individuals affected with KCNQ1-related conditions. ClinVar contains an entry for this variant (Variation ID: 405270). Invitae Evidence Modeling of protein sequence and biophysical properties (such as structural, functional, and spatial information, amino acid conservation, physicochemical variation, residue mobility, and thermodynamic stability) indicates that this missense variant is not expected to disrupt KCNQ1 protein function with a negative predictive value of 95%. Experimental studies have shown that this missense change affects KCNQ1 function (PMID: 29532034, 30571187). In summary, the available evidence is currently insufficient to determine the role of this variant in disease. Therefore, it has been classified as a Variant of Uncertain Significance.

All of Us Research Program, National Institutes of Health
Classification: Uncertain significance for Long QT syndrome. Last evaluated: 2024-09-23. Review status: criteria provided, single submitter. Criteria: ACMG Guidelines, 2015. Collection method: clinical testing. Allele origin: germline. Inheritance: Autosomal dominant inheritance. Observed: 2 variant alleles, 2 heterozygotes.
Comment: This missense variant replaces threonine with methionine at codon 169 of the KCNQ1 protein. Computational prediction is inconclusive regarding the impact of this variant on protein structure and function (internally defined REVEL score threshold 0.5 < inconclusive < 0.7, PMID: 27666373). To our knowledge, functional studies have not been reported for this variant. This variant has not been reported in individuals affected with cardiovascular disorders in the literature. This variant has been identified in 12/249616 chromosomes in the general population by the Genome Aggregation Database (gnomAD). The available evidence is insufficient to determine the role of this variant in disease conclusively. Therefore, this variant is classified as a Variant of Uncertain Significance.

This study involves interpretation of variants in research participants for the purpose of population health screening. Participant phenotype was not available at the time of variant classification. Additional details can be found in publication PMID: 35346344, PMCID: PMC8962531

Color Diagnostics, LLC DBA Color Health
Classification: Uncertain significance for Cardiac arrhythmia. Last evaluated: 2024-05-06. Review status: criteria provided, single submitter. Criteria: ACMG Guidelines, 2015. Collection method: clinical testing. Allele origin: germline.
Comment: This missense variant replaces threonine with methionine at codon 169 of the KCNQ1 protein. Computational prediction is inconclusive regarding the impact of this variant on protein structure and function. To our knowledge, functional studies have not been reported for this variant. This variant has not been reported in individuals affected with cardiovascular disorders in the literature. This variant has been identified in 12/249616 chromosomes in the general population by the Genome Aggregation Database (gnomAD). The available evidence is insufficient to determine the role of this variant in disease conclusively. Therefore, this variant is classified as a Variant of Uncertain Significance.

Ambry Genetics
Classification: Uncertain significance for Cardiovascular phenotype. Last evaluated: 2023-08-30. Review status: criteria provided, single submitter. Criteria: Ambry Variant Classification Scheme 2023. Collection method: clinical testing. Allele origin: germline.
Comment: The p.T169M variant (also known as c.506C>T), located in coding exon 3 of the KCNQ1 gene, results from a C to T substitution at nucleotide position 506. The threonine at codon 169 is replaced by methionine, an amino acid with similar properties. Functional analysis suggests this alteration causes a moderate decrease in potassium current density; however, the physiological relevance of result is unclear (Huang H et al. Sci Adv, 2018 03;4:eaar2631; Vanoye CG et al. Circ Genom Precis Med, 2018 Nov;11:e002345). This amino acid position is not well conserved in available vertebrate species. In addition, the in silico prediction for this alteration is inconclusive. Since supporting evidence is limited at this time, the clinical significance of this alteration remains unclear.

ARUP Laboratories, Molecular Genetics and Genomics, ARUP Laboratories
Classification: Uncertain significance. Last evaluated: 2023-04-20. Review status: criteria provided, single submitter. Criteria: ARUP Molecular Germline Variant Investigation Process 2024. Collection method: clinical testing. Allele origin: germline.
Comment: The KCNQ1 c.506C>T; p.Thr169Met variant (rs199472693), to our knowledge is not reported in the medical literature but is reported in ClinVar (Variation ID: 405270). This variant is found in the general population with an overall allele frequency of 0.005% (12/249616 alleles) in the Genome Aggregation Database. In vitro functional analyses demonstrate that this variant may cause a reduction on ion channel conductance (Huang 2018, Vanoye 2018). Computational analyses are uncertain whether this variant is neutral or deleterious (REVEL: 0.507). Given the lack of clinical information, the significance of the p.Thr169Met variant is uncertain at this time. References: Huang H et al. Mechanisms of KCNQ1 channel dysfunction in long QT syndrome involving voltage sensor domain mutations. Sci Adv. 2018 Mar 7;4(3):eaar2631. PMID: 29532034. Vanoye CG et al. High-Throughput Functional Evaluation of KCNQ1 Decrypts Variants of Unknown Significance. Circ Genom Precis Med. 2018 Nov;11(11):e002345. PMID: 30571187.

New York Genome Center
Classification: Uncertain significance for Long QT syndrome 1; Short QT syndrome type 2; Atrial fibrillation, familial, 3; Jervell and Lange-Nielsen syndrome 1. Last evaluated: 2022-08-28. Review status: criteria provided, single submitter. Criteria: NYGC Assertion Criteria 2020. Collection method: clinical testing. Allele origin: germline. Observed: 1 variant allele.

Fulgent Genetics
Classification: Uncertain significance for Beckwith-Wiedemann syndrome; Long QT syndrome 1; Jervell and Lange-Nielsen syndrome 1; Atrial fibrillation, familial, 3; Short QT syndrome type 2. Last evaluated: 2021-10-13. Review status: criteria provided, single submitter. Criteria: ACMG Guidelines, 2015. Collection method: clinical testing. Allele origin: unknown.

Johns Hopkins Genomics, Johns Hopkins University
Classification: Uncertain significance for Long QT syndrome 1. Last evaluated: 2020-05-14. Review status: criteria provided, single submitter. Criteria: ACMG Guidelines, 2015. Collection method: clinical testing. Allele origin: germline.

Literature cited by the submitters: PubMed 29532034 (cited by 3 submitters); PubMed 30571187 (cited by Labcorp Genetics (formerly Invitae), Labcorp and Ambry Genetics).

NM_000218.3(KCNQ1):c.506C>T (p.Thr169Met)

Gene: KCNQ1 (potassium voltage-gated channel subfamily Q member 1; plus strand). Cytogenetic location: 11p15.5.
Variant type: single nucleotide variant.
Coding change: c.506C>T on transcript NM_000218.3 (MANE Select); coding-DNA position 506, C replaced by T.
Protein change: p.Thr169Met; replaces threonine 169 with methionine.
Molecular consequence: missense variant.
Genome position (GRCh38, 1-based): chr11:2,570,656, C>T. VCF-style: chr11-2570656-C-T. GRCh37 (hg19) VCF-style: chr11-2591886-C-T.
Other names: c.236C>T, p.Thr79Met (NM_001406837.1); c.125C>T, p.Thr42Met (NM_181798.2); c.506C>T, p.Thr169Met (NM_001406836.1); short protein forms T169M, T42M, T79M.
Identifiers: ClinVar variation 405270 (VCV000405270.23), dbSNP rs199472693, ClinGen allele CA038071.